The following is an entry in ClinVar:

ClinVar aggregate classification (germline): Conflicting classifications of pathogenicity. Review status: criteria provided, conflicting classifications (1 of 4 stars). 6 submissions from 6 submitters: Uncertain significance (5); Likely benign (1). Last evaluated 2026-08-18.

Conditions:
ADGRV1-related disorder. Also called: ADGRV1-related disorders; ADGRV1-related condition.
Usher syndrome type 2C. Also called: USHER SYNDROME, TYPE IIC; Usher syndrome, type 2B. Identifiers: Orphanet 231178, Orphanet 886, MedGen C2931213, MONDO:0011558, OMIM 605472.

Allele frequency attached by ClinVar (database versions not stated): gnomAD 0.00001 and 0.00003; TOPMed 0.00003; gnomAD exomes 0.00004; ExAC 0.00006; 1000 Genomes Project 30x 0.00016; 1000 Genomes Project 0.00020.
gnomAD v4.1: 27 of 1,613,968 alleles (0.0017%); highest among the groups gnomAD compares: East Asian, 0.053%; no homozygotes.

Submissions (6):

PreventionGenetics, part of Exact Sciences
Classification: Uncertain significance for ADGRV1-related condition. Last evaluated: 2026-08-18. Review status: criteria provided, single submitter. Criteria: ACMG Guidelines, 2015. Collection method: clinical testing. Allele origin: germline.
Comment: The ADGRV1 c.940G>A variant is predicted to result in the amino acid substitution p.Ala314Thr. This variant was reported in the compound heterozygous state in an individual with retinitis pigmentosa (Table S4, Numa et al. 2020. PubMed ID: 33247286; Chen et al. 2025. PubMed ID: 41366559). This variant is reported in 0.061% of alleles in individuals of East Asian descent in gnomAD. At this time, the clinical significance of this variant is uncertain due to the absence of conclusive functional and genetic evidence.

Labcorp Genetics (formerly Invitae), Labcorp
Classification: Likely benign. Last evaluated: 2025-02-19. Review status: criteria provided, single submitter. Criteria: Invitae Variant Classification Sherloc (09022015). Collection method: clinical testing. Allele origin: germline.

GeneDx
Classification: Uncertain significance. Last evaluated: 2024-11-08. Review status: criteria provided, single submitter. Criteria: GeneDx Variant Classification Process June 2021. Collection method: clinical testing. Allele origin: germline. Affected: yes.
Comment: Observed with a second ADGRV1 variant in a patient with retinitis pigmentosa in published literature (Numa S et al., 2020); In silico analysis indicates that this missense variant does not alter protein structure/function; This variant is associated with the following publications: (PMID: 33247286)

Blueprint Genetics
Classification: Uncertain significance. Last evaluated: 2023-12-19. Review status: criteria provided, single submitter. Criteria: ACMG Guidelines, 2015. Collection method: clinical testing. Allele origin: germline.

Women's Health and Genetics/Laboratory Corporation of America, LabCorp
Classification: Uncertain significance. Last evaluated: 2023-05-11. Review status: criteria provided, single submitter. Criteria: LabCorp Variant Classification Summary - May 2015. Collection method: clinical testing. Allele origin: germline.
Comment: Variant summary: ADGRV1 c.940G>A (p.Ala314Thr) results in a non-conservative amino acid change located in the Na-Ca exchanger/integrin-beta4(IPR003644) of the encoded protein sequence. Three of five in-silico tools predict a benign effect of the variant on protein function. The variant allele was found at a frequency of 4.4e-05 in 249136 control chromosomes. This frequency is not significantly higher than estimated for a pathogenic variant in ADGRV1 causing Usher Syndrome (4.4e-05 vs 0.0054), allowing no conclusion about variant significance. c.940G>A has been reported in the literature in an individual affected with Retinitis pigmentosa (Numa_2016). This report does not provide unequivocal conclusions about association of the variant with Usher Syndrome. To our knowledge, no experimental evidence demonstrating an impact on protein function has been reported. The following publication have been ascertained in the context of this evaluation (PMID: 33247286). Three clinical diagnostic laboratories have submitted clinical-significance assessments for this variant to ClinVar after 2014 and classified as VUS (n=2) and Likely benign (n=1). Based on the evidence outlined above, the variant was classified as uncertain significance.

Illumina Laboratory Services, Illumina
Classification: Uncertain significance for Usher syndrome type 2C. Last evaluated: 2018-01-12. Review status: criteria provided, single submitter. Criteria: ICSL Variant Classification Criteria 13 December 2019. Collection method: clinical testing. Allele origin: germline.

Literature cited by the submitters: PubMed 33247286 (cited by Women's Health and Genetics/Laboratory Corporation of America, LabCorp).

NM_032119.4(ADGRV1):c.940G>A (p.Ala314Thr)

Gene: ADGRV1 (adhesion G protein-coupled receptor V1; plus strand). Cytogenetic location: 5q14.3.
Variant type: single nucleotide variant.
Coding change: c.940G>A on transcript NM_032119.4 (MANE Select); coding-DNA position 940, G replaced by A.
Protein change: p.Ala314Thr; replaces alanine 314 with threonine.
Molecular consequence: missense variant. On other transcripts: non-coding transcript variant (1).
Genome position (GRCh38, 1-based): chr5:90,627,478, G>A. VCF-style: chr5-90627478-G-A. GRCh37 (hg19) VCF-style: chr5-89923295-G-A.
Other names: short protein forms A314T.
Identifiers: ClinVar variation 906013 (VCV000906013.13), dbSNP rs533540279, ClinGen allele CA3338584.
Genomic context (GRCh38, chr5:90,627,478, plus strand): 5'-ATTGGATCTGATGAATATGAGGTTTCAATCAGTTATGCTGTCACAACTGGGAATTCCACA[G>A]CACATGCCCAGCAAAATCTGGACTTCATTGATCTTCAGCCAAACACAACTGTTGTTTTTC-3'
Protein context (NP_115495.3, residues 304-324): SYAVTTGNST[Ala314Thr]HAQQNLDFID